The following is an entry in ClinVar:

NM_000142.5(FGFR3):c.405_407del (p.Glu135del)

Gene: FGFR3 (fibroblast growth factor receptor 3; plus strand). Cytogenetic location: 4p16.3.
Variant type: Deletion.
Coding change: c.405_407del on transcript NM_000142.5 (MANE Select); coding-DNA positions 405 to 407, 3 bases deleted (AGA; older notation c.405_407delAGA).
Protein change: p.Glu135del; deletes glutamic acid 135.
Molecular consequence: inframe deletion. On other transcripts: non-coding transcript variant (1).
Genome position (GRCh38, 1-based): chr4:1,799,772-1,799,774, AGA deleted; deleting any 3 consecutive bases within chr4:1,799,770-1,799,774 gives the same sequence; the c. name uses the placement nearest the transcript's 3' end. VCF-style (leftmost placement, unchanged base first): chr4-1799769-CGAA-C. GRCh37 (hg19) VCF-style: chr4-1801496-CGAA-C.
Other names: c.405_407del, p.Glu135del (NM_001163213.2, NM_001354809.2, NM_001354810.2 and 1 more transcripts); short protein forms E135del.
Identifiers: ClinVar variation 4857790 (VCV004857790.1).

ClinVar aggregate classification (germline): Uncertain significance (1 of 4 stars; one submission).

Conditions:
FGFR3-related chondrodysplasia. Identifiers: Orphanet 93420, MedGen C5681604, MONDO:0019685.

Submission:

Genomenon, Inc
Classification: Uncertain significance for FGFR3-related chondrodysplasia. Last evaluated: 2026-06-23. Review status: criteria provided, single submitter. Criteria: Genomenon Sequence Variant Interpretation Standards - Updated. Collection method: curation. Allele origin: germline. Affected: no.
Comment: FGFR3 p.Glu135del (c.405_407del) is an in-frame deletion that results in the loss of Glutamic acid at codon 135. This variant has been reported in the published literature (PMID:30403900;35402233). It is absent or not present at a significant frequency in gnomAD. In conclusion, we classify FGFR3 p.Glu135del (c.405_407del) as a variant of uncertain significance.

Literature cited by the submitters: PubMed 30403900; PubMed 35402233.